The following is an entry in ClinVar:

NM_000051.4(ATM):c.5334del (p.Arg1779fs)

Gene: ATM (ATM serine/threonine kinase; plus strand). Cytogenetic location: 11q22.3.
Variant type: Deletion.
Coding change: c.5334del on transcript NM_000051.4 (MANE Select); coding-DNA position 5334, one base deleted (C; older notation c.5334delC).
Protein change: p.Arg1779fs; shifts the reading frame from arginine 1779.
Molecular consequence: frameshift variant.
Genome position (GRCh38, 1-based): chr11:108,302,867, C deleted; the last of 3 consecutive C bases (chr11:108,302,865-108,302,867); deleting any one gives the same sequence. VCF-style (leftmost placement, unchanged base first): chr11-108302864-AC-A. GRCh37 (hg19) VCF-style: chr11-108173591-AC-A.
Other names: c.5334del, p.Arg1779fs (NM_001351834.2); short protein forms R1779fs.
Identifiers: ClinVar variation 3966022 (VCV003966022.1).
Genomic context (GRCh38, chr11:108,302,864, plus strand): 5'-AATGATTTCCACTTCTCTTATTTACATTTTCTAATCCCTTTCTTTCTAGTTTTTAGAAGT[AC>A]CCAGATTTGACAAAGAAAACCCTTTTGAAGGCCTGGATGATATAAATCTGTGGATTCCTC-3'

ClinVar aggregate classification (germline): Pathogenic (1 of 4 stars; one submission).

Conditions:
Hereditary cancer-predisposing syndrome. Also called: Tumor predisposition; Hereditary neoplastic syndrome; Hereditary Cancer Syndrome; Neoplastic Syndromes, Hereditary. Identifiers: Orphanet 140162, MedGen C0027672, MeSH D009386, MONDO:0015356.

Submission:

Ambry Genetics
Classification: Pathogenic for Hereditary cancer-predisposing syndrome. Last evaluated: 2025-04-03. Review status: criteria provided, single submitter. Criteria: Ambry Variant Classification Scheme 2023. Collection method: clinical testing. Allele origin: germline.
Comment: The c.5334delC pathogenic mutation, located in coding exon 35 of the ATM gene, results from a deletion of one nucleotide at nucleotide position 5334, causing a translational frameshift with a predicted alternate stop codon (p.R1779Dfs*14). This variant is considered to be rare based on population cohorts in the Genome Aggregation Database (gnomAD). This alteration is expected to result in loss of function by premature protein truncation or nonsense-mediated mRNA decay. As such, this alteration is interpreted as a disease-causing mutation.